The following is an entry in ClinVar:

NM_006031.6(PCNT):c.9099+14G>A

Gene: PCNT (pericentrin; plus strand). Cytogenetic location: 21q22.3.
Variant type: single nucleotide variant.
Coding change: c.9099+14G>A on transcript NM_006031.6 (MANE Select); 14 bases into the intron after coding-DNA position 9099, G replaced by A.
Molecular consequence: intron variant.
Genome position (GRCh38, 1-based): chr21:46,437,095, G>A. VCF-style: chr21-46437095-G-A. GRCh37 (hg19) VCF-style: chr21-47857008-G-A.
Other names: c.8508+14G>A (NM_001315529.2).
Identifiers: ClinVar variation 340540 (VCV000340540.15), dbSNP rs370266308, ClinGen allele CA10081197.

ClinVar aggregate classification (germline): Conflicting classifications of pathogenicity. Review status: criteria provided, conflicting classifications (1 of 4 stars). 4 submissions from 4 submitters: Uncertain significance (2); Likely benign (2). Last evaluated 2026-01-27.

Conditions:
Microcephalic osteodysplastic primordial dwarfism type II (MOPD2). Also called: Microcephalic osteodysplastic primordial dwarfism with tooth abnormalities; MOPD II; OSTEODYSPLASTIC PRIMORDIAL DWARFISM, TYPE II. Identifiers: Orphanet 2637, MedGen C0432246, MONDO:0008872, OMIM 210720.

Allele frequency attached by ClinVar (database versions not stated): gnomAD 0.00027; TOPMed 0.00028; ESP Exome Variant Server 0.00038.
gnomAD v4.1: 758 of 1,589,654 alleles (0.048%); highest among the groups gnomAD compares: Non-Finnish European, 0.06%; no homozygotes.

Submissions (4):

Labcorp Genetics (formerly Invitae), Labcorp
Classification: Likely benign. Last evaluated: 2026-01-27. Review status: criteria provided, single submitter. Criteria: Invitae Variant Classification Sherloc (09022015). Collection method: clinical testing. Allele origin: germline.

Blueprint Genetics
Classification: Likely benign. Last evaluated: 2024-10-22. Review status: criteria provided, single submitter. Criteria: ACMG Guidelines, 2015. Collection method: clinical testing. Allele origin: germline.

Centre of Medical Genetics, University Hospital Muenster
Classification: Uncertain significance. Last evaluated: 2022-01-31. Review status: criteria provided, single submitter. Criteria: ACMG Guidelines, 2015. Collection method: clinical testing. Allele origin: unknown. Affected: yes. Observed: 1 variant allele, 1 heterozygote.
Comment: ACMG categories: PM2

Illumina Laboratory Services, Illumina
Classification: Uncertain significance for Microcephalic osteodysplastic primordial dwarfism type II. Last evaluated: 2018-01-13. Review status: criteria provided, single submitter. Criteria: ICSL Variant Classification Criteria 13 December 2019. Collection method: clinical testing. Allele origin: germline.